The following is an entry in ClinVar:

ClinVar aggregate classification (germline): Uncertain significance (1 of 4 stars; one submission).

Conditions:
Tuberous sclerosis syndrome (TSC). Also called: Tuberous Sclerosis Complex; Tuberous sclerosis. Identifiers: Orphanet 805, MedGen C0041341, MONDO:0001734.

Submission:

All of Us Research Program, National Institutes of Health
Classification: Uncertain significance for Tuberous sclerosis syndrome. Last evaluated: 2024-03-04. Review status: criteria provided, single submitter. Criteria: ACMG Guidelines, 2015. Collection method: clinical testing. Allele origin: germline. Inheritance: Autosomal dominant inheritance. Observed: 1 variant allele, 1 heterozygote.
Comment: This study involves interpretation of variants in research participants for the purpose of population health screening. Participant phenotype was not available at the time of variant classification. Additional details can be found in publication PMID: 35346344, PMCID: PMC8962531

NM_000548.5(TSC2):c.5068+27_5068+28insTGGAAAGGTAGGGCCGGGTGGGGCCCTGCAGTGC

Gene: TSC2 (TSC complex subunit 2; plus strand). Cytogenetic location: 16p13.3.
Variant type: Insertion.
Coding change: c.5068+27_5068+28insTGGAAAGGTAGGGCCGGGTGGGGCCCTGCAGTGC on transcript NM_000548.5 (MANE Select); bases 27 to 28 of the intron after coding-DNA position 5068, TGGAAAGGTAGGGCCGGGTGGGGCCCTGCAGTGC inserted.
Molecular consequence: splice donor variant.
Genome position: GRCh38: chr16:2,087,968-2,087,969. GRCh37 (hg19): chr16:2,137,969-2,137,970.
Other names: c.3526+27_3526+28insTGGAAAGGTAGGGCCGGGTGGGGCCCTGCAGTGC (NM_001406693.1, NM_001406692.1, NM_001406694.1); c.4960+27_4960+28insTGGAAAGGTAGGGCCGGGTGGGGCCCTGCAGTGC (NM_001406667.1); c.4957+27_4957+28insTGGAAAGGTAGGGCCGGGTGGGGCCCTGCAGTGC (NM_001406668.1); c.4468+27_4468+28insTGGAAAGGTAGGGCCGGGTGGGGCCCTGCAGTGC (NM_001406680.1); c.4399+27_4399+28insTGGAAAGGTAGGGCCGGGTGGGGCCCTGCAGTGC (NM_001406683.1, NM_001406682.1); c.4267+27_4267+28insTGGAAAGGTAGGGCCGGGTGGGGCCCTGCAGTGC (NM_001406687.1, NM_001406688.1); c.3655+27_3655+28insTGGAAAGGTAGGGCCGGGTGGGGCCCTGCAGTGC (NM_001406689.1); c.3595+27_3595+28insTGGAAAGGTAGGGCCGGGTGGGGCCCTGCAGTGC (NM_001406690.1); and 26 more.
Identifiers: ClinVar variation 3386185 (VCV003386185.1).